The following is an entry in ClinVar:

ClinVar aggregate classification (germline): Uncertain significance (1 of 4 stars; one submission).

Submission:

Labcorp Genetics (formerly Invitae), Labcorp
Classification: Uncertain significance. Last evaluated: 2025-03-05. Review status: criteria provided, single submitter. Criteria: Invitae Variant Classification Sherloc (09022015). Collection method: clinical testing. Allele origin: germline.
Comment: This variant, c.198_200del, results in the deletion of 1 amino acid(s) of the RPL23 protein (p.Lys67del), but otherwise preserves the integrity of the reading frame. This variant is not present in population databases (gnomAD no frequency). This variant has not been reported in the literature in individuals affected with RPL23-related conditions. Experimental studies and prediction algorithms are not available or were not evaluated, and the functional significance of this variant is currently unknown. In summary, the available evidence is currently insufficient to determine the role of this variant in disease. Therefore, it has been classified as a Variant of Uncertain Significance.

NM_000978.4(RPL23):c.198_200del (p.Lys67del)

Genes: RPL23 (ribosomal protein L23; minus strand), LOC126862551 (P300/CBP strongly-dependent group 1 enhancer GRCh37_chr17:37008921-37010120; plus strand). Cytogenetic location: 17q12.
Variant type: Deletion.
Coding change: c.198_200del on transcript NM_000978.4 (MANE Select); coding-DNA positions 198 to 200, 3 bases deleted (GAA; older notation c.198_200delGAA).
Protein change: p.Lys67del; deletes lysine 67.
Molecular consequence: inframe deletion.
Genome position (GRCh38, 1-based): chr17:38,852,630-38,852,632, TTC deleted on the plus strand (GAA on the coding strand, the reverse complement: RPL23 is on the minus strand); deleting any 3 consecutive bases within chr17:38,852,630-38,852,634 gives the same sequence; the c. name uses the placement nearest the transcript's 3' end. VCF-style (leftmost placement, unchanged base first): chr17-38852629-TTTC-T. GRCh37 (hg19) VCF-style: chr17-37008882-TTTC-T.
Other names: short protein forms K67del.
Identifiers: ClinVar variation 4714428 (VCV004714428.1).